The following is an entry in ClinVar:

NM_001165963.4(SCN1A):c.4384T>C (p.Tyr1462His)

Genes: SCN1A (sodium voltage-gated channel alpha subunit 1; minus strand), LOC102724058 (uncharacterized LOC102724058; plus strand). Cytogenetic location: 2q24.3.
Variant type: single nucleotide variant.
Coding change: c.4384T>C on transcript NM_001165963.4 (MANE Select); coding-DNA position 4384, T replaced by C.
Protein change: p.Tyr1462His; replaces tyrosine 1462 with histidine.
Molecular consequence: missense variant. On other transcripts: non-coding transcript variant (1).
Genome position (GRCh38, 1-based): chr2:165,998,130, A>G on the plus strand (T>C on the coding strand, the complement: SCN1A is on the minus strand). VCF-style: chr2-165998130-A-G. GRCh37 (hg19) VCF-style: chr2-166854640-A-G.
Other names: c.4300T>C, p.Tyr1434His (NM_001165964.3, NM_001353957.2, NM_001353958.2); c.4384T>C, p.Tyr1462His (NM_001202435.3, NM_001353948.2); c.4351T>C, p.Tyr1451His (NM_001353949.2, NM_001353950.2, NM_001353951.2 and 2 more transcripts); c.4348T>C, p.Tyr1450His (NM_001353954.2, NM_001353955.2); c.4297T>C, p.Tyr1433His (NM_001353960.2); c.1942T>C, p.Tyr648His (NM_001353961.2); short protein forms Y1451H, Y1462H, Y1434H, Y1450H, Y1433H, Y648H.
Identifiers: ClinVar variation 589810 (VCV000589810.10), dbSNP rs1559119345, ClinGen allele CA349049412.
Genomic context (GRCh38, chr2:165,998,130, plus strand): 5'-TGACACCAATAAACAGGTTCAAGGTGAAGAAGGACCCAAAGATGATGAAAATAACAAAGT[A>G]AAGATACATGTACAGACTTTCTTCATACTTAGGCTGGAGTTCCACCTACCAAAGGGGAAT-3'
Protein context (NP_001159435.1, residues 1452-1472): KYEESLYMYL[Tyr1462His]FVIFIIFGSF

ClinVar aggregate classification (germline): Pathogenic. Review status: criteria provided, multiple submitters, no conflicts (2 of 4 stars). 2 submissions from 2 submitters: Pathogenic (2). Last evaluated 2021-08-14.

Conditions:
Inborn genetic diseases. Identifiers: MedGen C0950123, MeSH D030342.
Developmental and epileptic encephalopathy. Identifiers: MedGen C5779964, MONDO:0100620.

Submissions (2):

Labcorp Genetics (formerly Invitae), Labcorp
Classification: Pathogenic for Early-infantile DEE. Last evaluated: 2021-08-14. Review status: criteria provided, single submitter. Criteria: Invitae Variant Classification Sherloc (09022015). Collection method: clinical testing. Allele origin: germline.

Ambry Genetics
Classification: Pathogenic for Inborn genetic diseases. Last evaluated: 2016-03-13. Review status: criteria provided, single submitter. Criteria: Ambry Variant Classification Scheme 2023. Collection method: clinical testing. Allele origin: germline.
Comment: The p.Y1462H pathogenic mutation (also known as c.4384T>C), located in coding exon 23 of the SCN1A gene, results from a T to C substitution at nucleotide position 4384. The tyrosine at codon 1462 is replaced by histidine, an amino acid with similar properties. This mutation has been confirmed to be a de novo occurrence in four unrelated individuals: two with classic Dravet syndrome, one with borderline Dravet syndrome, and one with intractable seizures (Zuberi SM, et al. Neurology 2011; 76(7):594-600, Catarino CB, et al. Brain 2011; 134(Pt 10):2982-3010, Wang JW, et al. Epilepsy Res. 2012;102(3):195-200). In addition, this mutation was detected with an unknown mode of inheritance in an individual with classic Dravet syndrome (Sugawara T, et al. Journal of Epileptology 2013 Jun; 21(1)5-13). Based on the supporting evidence, p.Y1462H is interpreted as a disease-causing mutation.

Literature cited by the submitters: PubMed 21248271 (cited by Ambry Genetics); PubMed 21719429 (cited by Ambry Genetics); PubMed 23195492 (cited by Ambry Genetics); PubMed 24136861 (cited by Ambry Genetics).